The following is an entry in ClinVar:

ClinVar aggregate classification (germline): Uncertain significance (1 of 4 stars; one submission).

Conditions:
Cardiovascular phenotype. Identifiers: MedGen CN230736.

Allele frequency attached by ClinVar (database versions not stated): ExAC 0.00001.

Submission:

Ambry Genetics
Classification: Uncertain significance for Cardiovascular phenotype. Last evaluated: 2023-04-07. Review status: criteria provided, single submitter. Criteria: Ambry Variant Classification Scheme 2023. Collection method: clinical testing. Allele origin: germline.
Comment: The p.E1818D variant (also known as c.5454A>T), located in coding exon 34 of the MYH6 gene, results from an A to T substitution at nucleotide position 5454. The glutamic acid at codon 1818 is replaced by aspartic acid, an amino acid with highly similar properties. This amino acid position is conserved. In addition, the in silico prediction for this alteration is inconclusive. Since supporting evidence is limited at this time, the clinical significance of this alteration remains unclear.

NM_002471.4(MYH6):c.5454A>T (p.Glu1818Asp)

Gene: MYH6 (myosin heavy chain 6; minus strand). Cytogenetic location: 14q11.2.
Variant type: single nucleotide variant.
Coding change: c.5454A>T on transcript NM_002471.4 (MANE Select); coding-DNA position 5454, A replaced by T.
Protein change: p.Glu1818Asp; replaces glutamic acid 1818 with aspartic acid.
Molecular consequence: missense variant.
Genome position (GRCh38, 1-based): chr14:23,384,553, T>A on the plus strand (A>T on the coding strand, the complement: MYH6 is on the minus strand). VCF-style: chr14-23384553-T-A. GRCh37 (hg19) VCF-style: chr14-23853762-T-A.
Other names: short protein forms E1818D.
Identifiers: ClinVar variation 2567203 (VCV002567203.2), dbSNP rs777243612, ClinGen allele CA7114431.
Genomic context (GRCh38, chr14:23,384,553, plus strand): 5'-CGACTCTGCGTTGCGCTTCTGCTCGGCCTCCAGCTCACCCTCCAGCTCCCGCACCCGCGC[T>A]TCCAGCTTCTGCAGCTGCTTCTTGCCTCCCTTGAGGGCGATCTGCTCGGCCTCGTCCAGC-3'
Protein context (NP_002462.2, residues 1808-1828): KGGKKQLQKL[Glu1818Asp]ARVRELEGEL